The following is an entry in ClinVar:

NM_001354604.2(MITF):c.462A>C (p.Gln154His)

Gene: MITF (melanocyte inducing transcription factor; plus strand). Cytogenetic location: 3p13.
Variant type: single nucleotide variant.
Coding change: c.462A>C on transcript NM_001354604.2 (MANE Select); coding-DNA position 462, A replaced by C.
Protein change: p.Gln154His; replaces glutamine 154 with histidine.
Molecular consequence: missense variant. On other transcripts: intron variant (1).
Genome position (GRCh38, 1-based): chr3:69,937,929, A>C. VCF-style: chr3-69937929-A-C. GRCh37 (hg19) VCF-style: chr3-69987080-A-C.
Other names: c.459A>C, p.Gln153His (NM_001354606.2, NM_006722.3, NM_001354605.2); c.411A>C, p.Gln137His (NM_001354607.2); c.306A>C, p.Gln102His (NM_001354608.2, NM_001184967.2); c.141A>C, p.Gln47His (NM_198158.3, NM_000248.4, NM_001184968.2); c.462A>C, p.Gln154His (NM_198159.3); c.414A>C, p.Gln138His (NM_198177.3); c.93+48A>C (NM_198178.3); short protein forms Q102H, Q138H, Q154H, Q47H, Q137H, Q153H.
Identifiers: ClinVar variation 4108321 (VCV004108321.1).
Genomic context (GRCh38, chr3:69,937,929, plus strand): 5'-CCAACGGCAGCAGGTAAAGCAGTACCTTTCTACCACTTTAGCAAATAAACATGCCAACCA[A>C]GTCCTGAGCTTGCCATGTCCAAACCAGCCTGGCGATCATGTCATGCCACCGGTGCCGGGG-3'
Protein context (NP_001341533.1, residues 144-164): STTLANKHAN[Gln154His]VLSLPCPNQP

ClinVar aggregate classification (germline): Uncertain significance (1 of 4 stars; one submission).

Conditions:
Hereditary cancer-predisposing syndrome. Also called: Tumor predisposition; Neoplastic Syndromes, Hereditary; Hereditary neoplastic syndrome; Hereditary Cancer Syndrome. Identifiers: Orphanet 140162, MedGen C0027672, MeSH D009386, MONDO:0015356.

Submission:

Ambry Genetics
Classification: Uncertain significance for Hereditary cancer-predisposing syndrome. Last evaluated: 2025-09-04. Review status: criteria provided, single submitter. Criteria: Ambry Variant Classification Scheme 2023. Collection method: clinical testing. Allele origin: germline.
Comment: The p.Q47H variant (also known as c.141A>C), located in coding exon 2 of the MITF gene, results from an A to C substitution at nucleotide position 141. The glutamine at codon 47 is replaced by histidine, an amino acid with highly similar properties. This amino acid position is conserved. In addition, the in silico prediction for this alteration is inconclusive. Based on the available evidence, the clinical significance of this variant remains unclear.